The following is an entry in ClinVar:

ClinVar aggregate classification (germline): Uncertain significance (1 of 4 stars; one submission).

Conditions:
Tuberous sclerosis 1 (TSC1). Identifiers: Orphanet 805, MedGen C1854465, MONDO:0008612, OMIM 191100.

Submission:

Labcorp Genetics (formerly Invitae), Labcorp
Classification: Uncertain significance for Tuberous sclerosis 1. Last evaluated: 2025-05-06. Review status: criteria provided, single submitter. Criteria: Invitae Variant Classification Sherloc (09022015). Collection method: clinical testing. Allele origin: germline.
Comment: This sequence change replaces proline, which is neutral and non-polar, with alanine, which is neutral and non-polar, at codon 506 of the TSC1 protein (p.Pro506Ala). This variant is not present in population databases (gnomAD no frequency). This variant has not been reported in the literature in individuals affected with TSC1-related conditions. ClinVar contains an entry for this variant (Variation ID: 3720852). Invitae Evidence Modeling of protein sequence and biophysical properties (such as structural, functional, and spatial information, amino acid conservation, physicochemical variation, residue mobility, and thermodynamic stability) has been performed for this missense variant. However, the output from this modeling did not meet the statistical confidence thresholds required to predict the impact of this variant on TSC1 protein function. In summary, the available evidence is currently insufficient to determine the role of this variant in disease. Therefore, it has been classified as a Variant of Uncertain Significance.

NM_000368.5(TSC1):c.1516C>G (p.Pro506Ala)

Gene: TSC1 (TSC complex subunit 1; minus strand). Cytogenetic location: 9q34.13.
Variant type: single nucleotide variant.
Coding change: c.1516C>G on transcript NM_000368.5 (MANE Select); coding-DNA position 1516, C replaced by G.
Protein change: p.Pro506Ala; replaces proline 506 with alanine.
Molecular consequence: missense variant. On other transcripts: non-coding transcript variant (5).
Genome position (GRCh38, 1-based): chr9:132,906,062, G>C on the plus strand (C>G on the coding strand, the complement: TSC1 is on the minus strand). VCF-style: chr9-132906062-G-C. GRCh37 (hg19) VCF-style: chr9-135781449-G-C.
Other names: c.1513C>G, p.Pro505Ala (NM_001162426.2, NM_001406597.1, NM_001406598.1 and 6 more transcripts); c.1363C>G, p.Pro455Ala (NM_001162427.2, NM_001406610.1); c.1153C>G, p.Pro385Ala (NM_001362177.2, NM_001406614.1, NM_001406615.1 and 5 more transcripts); c.1516C>G, p.Pro506Ala (NM_001406592.1, NM_001406593.1, NM_001406594.1 and 7 more transcripts); c.1360C>G, p.Pro454Ala (NM_001406611.1, NM_001406612.1, NM_001406613.1); c.562C>G, p.Pro188Ala (NM_001406628.1, NM_001406627.1); c.463C>G, p.Pro155Ala (NM_001406629.1, NM_001406630.1); c.1150C>G, p.Pro384Ala (NM_001406620.1, NM_001406621.1, NM_001406622.1 and 2 more transcripts); and 1 more; short protein forms P384A, P455A, P188A, P189A, P505A, P155A, P385A, P454A.
Identifiers: ClinVar variation 3720852 (VCV003720852.2).
Genomic context (GRCh38, chr9:132,906,062, plus strand): 5'-AACTGGAGGCTGCCGAGTGGGTCTTCCGCTGAGAACCTGGGAGACTGTCTCGGTAAAAGG[G>C]AGAGTCAAAGCCTCCTCGAGGAACCACAGGCTCTGCCTCTGCTGTGGTGATCTCAGAAAG-3'
Protein context (NP_000359.1, residues 496-516): PVVPRGGFDS[Pro506Ala]FYRDSLPGSQ